The following is an entry in ClinVar:

ClinVar aggregate classification (germline): Uncertain significance (1 of 4 stars; one submission).

Submission:

Labcorp Genetics (formerly Invitae), Labcorp
Classification: Uncertain significance. Last evaluated: 2024-11-18. Review status: criteria provided, single submitter. Criteria: Invitae Variant Classification Sherloc (09022015). Collection method: clinical testing. Allele origin: germline.
Comment: This sequence change replaces arginine, which is basic and polar, with glycine, which is neutral and non-polar, at codon 1368 of the NBAS protein (p.Arg1368Gly). This variant is not present in population databases (gnomAD no frequency). This variant has not been reported in the literature in individuals affected with NBAS-related conditions. ClinVar contains an entry for this variant (Variation ID: 2129161). Invitae Evidence Modeling of protein sequence and biophysical properties (such as structural, functional, and spatial information, amino acid conservation, physicochemical variation, residue mobility, and thermodynamic stability) indicates that this missense variant is not expected to disrupt NBAS protein function with a negative predictive value of 95%. In summary, the available evidence is currently insufficient to determine the role of this variant in disease. Therefore, it has been classified as a Variant of Uncertain Significance.

NM_015909.4(NBAS):c.4102A>G (p.Arg1368Gly)

Gene: NBAS (NBAS subunit of NRZ tethering complex; minus strand). Cytogenetic location: 2p24.3.
Variant type: single nucleotide variant.
Coding change: c.4102A>G on transcript NM_015909.4 (MANE Select); coding-DNA position 4102, A replaced by G.
Protein change: p.Arg1368Gly; replaces arginine 1368 with glycine.
Molecular consequence: missense variant. On other transcripts: non-coding transcript variant (1).
Genome position (GRCh38, 1-based): chr2:15,352,069, T>C on the plus strand (A>G on the coding strand, the complement: NBAS is on the minus strand). VCF-style: chr2-15352069-T-C. GRCh37 (hg19) VCF-style: chr2-15492193-T-C.
Other names: short protein forms R1368G.
Identifiers: ClinVar variation 2129161 (VCV002129161.4), dbSNP rs2528567182, ClinGen allele CA345888078.
Genomic context (GRCh38, chr2:15,352,069, plus strand): 5'-TAGTTAATGGTGAAGCACTGATATTTTCCCCTCCTTCATGATGGATCTGGAAATTCACTC[T>C]TTGATAAAGAATCTAAAACAAGAATAGGCTATATTGTAAAGGAGTTACGTTTTTAAATTT-3'
Protein context (NP_056993.2, residues 1358-1378): SSLQTEILYQ[Arg1368Gly]VNFQIHHEGG